The following is an entry in ClinVar:

NM_001330260.2(SCN8A):c.1954A>T (p.Ile652Phe)

Gene: SCN8A (sodium voltage-gated channel alpha subunit 8; plus strand). Cytogenetic location: 12q13.13.
Variant type: single nucleotide variant.
Coding change: c.1954A>T on transcript NM_001330260.2 (MANE Select); coding-DNA position 1954, A replaced by T.
Protein change: p.Ile652Phe; replaces isoleucine 652 with phenylalanine.
Molecular consequence: missense variant.
Genome position (GRCh38, 1-based): chr12:51,721,864, A>T. VCF-style: chr12-51721864-A-T. GRCh37 (hg19) VCF-style: chr12-52115648-A-T.
Other names: c.1954A>T (NM_014191.2); c.1954A>T, p.Ile652Phe (NM_001177984.3, NM_001369788.1, NM_014191.4); short protein forms I652F.
Identifiers: ClinVar variation 2174191 (VCV002174191.5), dbSNP rs1048609401, ClinGen allele CA236267002.

ClinVar aggregate classification (germline): Uncertain significance. Review status: criteria provided, multiple submitters, no conflicts (2 of 4 stars). 2 submissions from 2 submitters: Uncertain significance (2). Last evaluated 2025-02-25.

Conditions:
Early-infantile DEE. Also called: Ohtahara syndrome; Early infantile epileptic encephalopathy; Early infantile epileptic encephalopathy with suppression bursts. Identifiers: Orphanet 1934, MedGen C0393706, MONDO:0800491.
Inborn genetic diseases. Identifiers: MedGen C0950123, MeSH D030342.

gnomAD v4.1: 3 of 1,602,574 alleles (0.00019%); highest among the groups gnomAD compares: African/African-American, 0.0013%; no homozygotes.

Submissions (2):

Labcorp Genetics (formerly Invitae), Labcorp
Classification: Uncertain significance for Early-infantile DEE. Last evaluated: 2025-02-25. Review status: criteria provided, single submitter. Criteria: Invitae Variant Classification Sherloc (09022015). Collection method: clinical testing. Allele origin: germline.
Comment: This sequence change replaces isoleucine, which is neutral and non-polar, with phenylalanine, which is neutral and non-polar, at codon 652 of the SCN8A protein (p.Ile652Phe). This variant is not present in population databases (gnomAD no frequency). This variant has not been reported in the literature in individuals affected with SCN8A-related conditions. ClinVar contains an entry for this variant (Variation ID: 2174191). Invitae Evidence Modeling of protein sequence and biophysical properties (such as structural, functional, and spatial information, amino acid conservation, physicochemical variation, residue mobility, and thermodynamic stability) indicates that this missense variant is not expected to disrupt SCN8A protein function with a negative predictive value of 95%. In summary, the available evidence is currently insufficient to determine the role of this variant in disease. Therefore, it has been classified as a Variant of Uncertain Significance.

Ambry Genetics
Classification: Uncertain significance for Inborn genetic diseases. Last evaluated: 2024-11-26. Review status: criteria provided, single submitter. Criteria: Ambry Variant Classification Scheme 2023. Collection method: clinical testing. Allele origin: germline.